The following is an entry in ClinVar:

NM_015346.4(ZFYVE26):c.1356_1359del (p.Asn453fs)

Gene: ZFYVE26 (zinc finger FYVE-type containing 26; minus strand). Cytogenetic location: 14q24.1.
Variant type: Deletion.
Coding change: c.1356_1359del on transcript NM_015346.4 (MANE Select); coding-DNA positions 1356 to 1359, 4 bases deleted (AAAC; older notation c.1356_1359delAAAC).
Protein change: p.Asn453fs; shifts the reading frame from asparagine 453.
Molecular consequence: frameshift variant.
Genome position (GRCh38, 1-based): chr14:67,804,177-67,804,180, GTTT deleted on the plus strand (AAAC on the coding strand, the reverse complement: ZFYVE26 is on the minus strand); deleting any 4 consecutive bases within chr14:67,804,177-67,804,182 gives the same sequence; the c. name uses the placement nearest the transcript's 3' end. VCF-style (leftmost placement, unchanged base first): chr14-67804176-GGTTT-G. GRCh37 (hg19) VCF-style: chr14-68270893-GGTTT-G.
Other names: short protein forms N453fs.
Identifiers: ClinVar variation 1725762 (VCV001725762.2), dbSNP rs2502871528, ClinGen allele CA2580088663.

ClinVar aggregate classification (germline): Likely pathogenic (1 of 4 stars; one submission).

Conditions:
Hereditary spastic paraplegia 15 (SPG15). Also called: SPASTIC PARAPLEGIA 15, AUTOSOMAL RECESSIVE; KJELLIN SYNDROME; SPASTIC PARAPLEGIA AND RETINAL DEGENERATION. Identifiers: Orphanet 100996, MedGen C1849128, MONDO:0010044, OMIM 270700.

Submission:

Myriad Genetics, Inc.
Classification: Likely pathogenic for Hereditary spastic paraplegia 15. Last evaluated: 2022-03-31. Review status: criteria provided, single submitter. Criteria: Myriad Women's Health Autosomal Recessive and X-Linked Classification Criteria (2021). Collection method: clinical testing. Allele origin: unknown.
Comment: NM_015346.3(ZFYVE26):c.1356_1359delAAAC(N453Ffs*36) is expected to be pathogenic in the context of spastic paraplegia type 15. This variant is predicted to lead to an abnormal or absent protein product due to the creation of a premature termination codon in ZFYVE26, a gene where loss-of-function variants are known to be pathogenic. Please note: this variant was assessed in the context of healthy population screening.